The following is an entry in ClinVar:

NM_006531.5(IFT88):c.2248G>A (p.Gly750Ser)

Gene: IFT88 (intraflagellar transport 88; plus strand). Cytogenetic location: 13q12.11.
Variant type: single nucleotide variant.
Coding change: c.2248G>A on transcript NM_006531.5 (MANE Select); coding-DNA position 2248, G replaced by A.
Protein change: p.Gly750Ser; replaces glycine 750 with serine.
Molecular consequence: missense variant. On other transcripts: non-coding transcript variant (4), intron variant (5).
Genome position (GRCh38, 1-based): chr13:20,690,710, G>A. VCF-style: chr13-20690710-G-A. GRCh37 (hg19) VCF-style: chr13-21264849-G-A.
Other names: c.2191G>A, p.Gly731Ser (NM_001318491.2); c.2275G>A, p.Gly759Ser (NM_001318493.2, NM_001353565.2, NM_001353566.2 and 2 more transcripts); c.2248G>A, p.Gly750Ser (NM_001353568.2); c.2173G>A, p.Gly725Ser (NM_001353569.2, NM_001353570.2); c.2146G>A, p.Gly716Ser (NM_001353571.2); c.2104G>A, p.Gly702Ser (NM_001353573.2); c.2089G>A, p.Gly697Ser (NM_001353574.2); c.1615G>A, p.Gly539Ser (NM_001353579.2); and 4 more; short protein forms G697S, G731S, G725S, G539S, G702S, G716S, G750S, G759S.
Identifiers: ClinVar variation 1991703 (VCV001991703.4), dbSNP rs138716049, ClinGen allele CA6905724.
Genomic context (GRCh38, chr13:20,690,710, plus strand): 5'-GTTTTATGTTTTCTCAACATATTAAACAAATGCATTTTTATTTTCGTGTTTTCAGATAGT[G>A]GCCAGAACTATAGTGCCAGTAGTAAAGGTGAACGACTAAGTGCCAGACTCAGAGCTTTAC-3'
Protein context (NP_006522.2, residues 740-760): KREGSASGDS[Gly750Ser]QNYSASSKGE

ClinVar aggregate classification (germline): Uncertain significance (1 of 4 stars; one submission).

Allele frequency attached by ClinVar (database versions not stated): gnomAD exomes 0.00001; ESP Exome Variant Server 0.00008.
gnomAD v4.1: 23 of 1,606,412 alleles (0.0014%); highest among the groups gnomAD compares: African/African-American, 0.0027%; no homozygotes.

Submission:

Labcorp Genetics (formerly Invitae), Labcorp
Classification: Uncertain significance. Last evaluated: 2023-10-29. Review status: criteria provided, single submitter. Criteria: Invitae Variant Classification Sherloc (09022015). Collection method: clinical testing. Allele origin: germline.
Comment: This sequence change replaces glycine, which is neutral and non-polar, with serine, which is neutral and polar, at codon 759 of the IFT88 protein (p.Gly759Ser). This variant is present in population databases (rs138716049, gnomAD 0.0009%). This variant has not been reported in the literature in individuals affected with IFT88-related conditions. ClinVar contains an entry for this variant (Variation ID: 1991703). An algorithm developed to predict the effect of missense changes on protein structure and function (PolyPhen-2) suggests that this variant is likely to be tolerated. In summary, the available evidence is currently insufficient to determine the role of this variant in disease. Therefore, it has been classified as a Variant of Uncertain Significance.